The following is an entry in ClinVar:

NM_000521.4(HEXB):c.69G>A (p.Leu23=)

Gene: HEXB (hexosaminidase subunit beta; plus strand). Cytogenetic location: 5q13.3.
Variant type: single nucleotide variant.
Coding change: c.69G>A on transcript NM_000521.4 (MANE Select); coding-DNA position 69, G replaced by A.
Protein change: p.Leu23=; no amino-acid change (leucine 23 retained).
Molecular consequence: synonymous variant. On other transcripts: intron variant (1).
Genome position (GRCh38, 1-based): chr5:74,685,329, G>A. VCF-style: chr5-74685329-G-A. GRCh37 (hg19) VCF-style: chr5-73981154-G-A.
Other names: c.-376-3999G>A (NM_001292004.2).
Identifiers: ClinVar variation 762762 (VCV000762762.31), dbSNP rs1453045657, ClinGen allele CA444849294.

ClinVar aggregate classification (germline): Likely benign. Review status: criteria provided, multiple submitters, no conflicts (2 of 4 stars). 2 submissions from 2 submitters: Likely benign (2). Last evaluated 2022-12-01.

Conditions:
Sandhoff disease. Also called: GM2-GANGLIOSIDOSIS, TYPE II; Beta-hexosaminidase-beta-subunit deficiency; GM2 gangliosidosis, type 2; Total hexosaminidase deficiency; Sandhoff-Jatzkewitz-Pilz disease; HEXOSAMINIDASES A AND B DEFICIENCY. Identifiers: Orphanet 796, MedGen C0036161, MONDO:0010006, OMIM 268800.

Submissions (2):

CeGaT Center for Human Genetics Tuebingen
Classification: Likely benign. Last evaluated: 2022-12-01. Review status: criteria provided, single submitter. Criteria: CeGaT Center For Human Genetics Tuebingen Variant Classification Criteria Version 2. Collection method: clinical testing. Allele origin: germline. Affected: yes. Observed: 1 variant allele.
Comment: HEXB: PM2:Supporting, BP4, BP7

Labcorp Genetics (formerly Invitae), Labcorp
Classification: Likely benign for Sandhoff disease. Last evaluated: 2022-02-02. Review status: criteria provided, single submitter. Criteria: Invitae Variant Classification Sherloc (09022015). Collection method: clinical testing. Allele origin: germline.